The following is an entry in ClinVar:

NM_000293.3(PHKB):c.2352C>T (p.Tyr784=)

Gene: PHKB (phosphorylase kinase regulatory subunit beta; plus strand). Cytogenetic location: 16q12.1.
Variant type: single nucleotide variant.
Coding change: c.2352C>T on transcript NM_000293.3 (MANE Select); coding-DNA position 2352, C replaced by T.
Protein change: p.Tyr784=; no amino-acid change (tyrosine 784 retained).
Molecular consequence: synonymous variant. On other transcripts: intron variant (2).
Genome position (GRCh38, 1-based): chr16:47,664,900, C>T. VCF-style: chr16-47664900-C-T. GRCh37 (hg19) VCF-style: chr16-47698811-C-T.
Other names: c.2337-1042C>T (NM_001363837.1); c.2316-1042C>T (NM_001031835.3).
Identifiers: ClinVar variation 511493 (VCV000511493.11), dbSNP rs570705767, ClinGen allele CA8041176.

ClinVar aggregate classification (germline): Likely benign. Review status: criteria provided, multiple submitters, no conflicts (2 of 4 stars). 4 submissions from 4 submitters: Likely benign (4). Last evaluated 2026-01-28.

Conditions:
Glycogen storage disease IXb (GSD9B). Also called: GLYCOGENOSIS OF LIVER AND MUSCLE, AUTOSOMAL RECESSIVE; GSD IXb; PHOSPHORYLASE KINASE DEFICIENCY OF LIVER AND MUSCLE, AUTOSOMAL RECESSIVE. Identifiers: Orphanet 79240, MedGen C0543514, MONDO:0009868, OMIM 261750.
PHKB-related disorder. Also called: PHKB-related condition.

Allele frequency attached by ClinVar (database versions not stated): gnomAD 0.00003; gnomAD exomes 0.00003; TOPMed 0.00003; ExAC 0.00004; 1000 Genomes Project 30x 0.00016; 1000 Genomes Project 0.00020.
gnomAD v4.1: 39 of 1,613,244 alleles (0.0024%); highest among the groups gnomAD compares: Admixed American, 0.023%; 1 homozygote.

Submissions (4):

Labcorp Genetics (formerly Invitae), Labcorp
Classification: Likely benign for Glycogen storage disease IXb. Last evaluated: 2026-01-28. Review status: criteria provided, single submitter. Criteria: Invitae Variant Classification Sherloc (09022015). Collection method: clinical testing. Allele origin: germline.

PreventionGenetics, part of Exact Sciences
Classification: Likely benign for PHKB-related condition. Last evaluated: 2025-01-13. Review status: criteria provided, single submitter. Criteria: ACMG Guidelines, 2015. Collection method: clinical testing. Allele origin: germline.
Comment: This variant is classified as likely benign based on ACMG/AMP sequence variant interpretation guidelines (Richards et al. 2015 PMID: 25741868, with internal and published modifications).

Blueprint Genetics
Classification: Likely benign. Last evaluated: 2024-04-16. Review status: criteria provided, single submitter. Criteria: ACMG Guidelines, 2015. Collection method: clinical testing. Allele origin: germline.

GeneDx
Classification: Likely benign. Last evaluated: 2017-08-31. Review status: criteria provided, single submitter. Criteria: GeneDx Variant Classification (06012015). Collection method: clinical testing. Allele origin: germline. Affected: yes.
Comment: This variant is considered likely benign or benign based on one or more of the following criteria: it is a conservative change, it occurs at a poorly conserved position in the protein, it is predicted to be benign by multiple in silico algorithms, and/or has population frequency not consistent with disease.